The following is an entry in ClinVar:

ClinVar aggregate classification (germline): Pathogenic. Review status: reviewed by expert panel (3 of 4 stars). 3 submissions from 3 submitters: Pathogenic (1). 2 of the submissions do not count toward it. Last evaluated 2016-10-18.

Conditions:
Breast-ovarian cancer, familial, susceptibility to, 2 (BROVCA2). Also called: BRCA2 Hereditary Breast and Ovarian Cancer. Identifiers: Orphanet 145, MedGen C2675520, MONDO:0012933, OMIM 612555. Disease mechanism: loss of function.

Submissions (3):

Evidence-based Network for the Interpretation of Germline Mutant Alleles (ENIGMA)
Classification: Pathogenic for Breast-ovarian cancer, familial, susceptibility to, 2. Last evaluated: 2016-10-18. Review status: reviewed by expert panel. Criteria: ENIGMA BRCA1/2 Classification Criteria (2015). Collection method: curation. Allele origin: germline.
Comment: Variant allele predicted to encode a truncated non-functional protein.

Center for Genomic Medicine, Rigshospitalet, Copenhagen University Hospital
Classification: Pathogenic. Last evaluated: 2025-03-04. Review status: criteria provided, single submitter. Criteria: ACMG Guidelines, 2015. Collection method: clinical testing. Allele origin: germline. Not counted in ClinVar's aggregate classification.

Consortium of Investigators of Modifiers of BRCA1/2 (CIMBA), c/o University of Cambridge
Classification: Pathogenic for Breast-ovarian cancer, familial, susceptibility to, 2. Last evaluated: 2015-10-02. Review status: criteria provided, single submitter. Criteria: CIMBA Mutation Classification guidelines May 2016. Collection method: clinical testing. Allele origin: germline. Not counted in ClinVar's aggregate classification.

NM_000059.4(BRCA2):c.1670_1683del (p.Asn556_Leu557insTer)

Gene: BRCA2 (BRCA2 DNA repair associated; plus strand). Cytogenetic location: 13q13.1.
Variant type: Deletion.
Coding change: c.1670_1683del on transcript NM_000059.4 (MANE Select); coding-DNA positions 1670 to 1683, 14 bases deleted (TAATTGATAATGGA).
Protein change: p.Asn556_Leu557insTer.
Molecular consequence: nonsense.
Genome position (GRCh38, 1-based): chr13:32,333,148-32,333,161, TAATTGATAATGGA deleted. VCF-style (leftmost placement, unchanged base first): chr13-32333147-TTAATTGATAATGGA-T. GRCh37 (hg19) VCF-style: chr13-32907284-TTAATTGATAATGGA-T.
Other names: 1898del14-ter557; c.1670_1683del14 (NM_000059.3).
Identifiers: ClinVar variation 51171 (VCV000051171.11), dbSNP rs397507600, ClinGen allele CA012855.